The following is an entry in ClinVar:

ClinVar aggregate classification (germline): Benign. Review status: criteria provided, multiple submitters, no conflicts (2 of 4 stars). 2 submissions from 2 submitters: Benign (2). Last evaluated 2018-01-13.

Conditions:
Seizures, benign familial neonatal, 2. Also called: CONVULSIONS, BENIGN FAMILIAL NEONATAL, 2; KCNQ3-Related Self-Limited Familial Neonatal Epilepsy (SLFNE); Benign Neonatal Epilepsy 2; KCNQ3-Related Benign Familial Neonatal Epilepsy; Seizures, benign neonatal, 2. Identifiers: Orphanet 1949, MedGen C1852581, MONDO:0007366, OMIM 121201.

Allele frequency attached by ClinVar (database versions not stated): gnomAD 0.20680 and 0.20415; 1000 Genomes Project 30x 0.13632; 1000 Genomes Project 0.13518; TOPMed 0.19768.

Submissions (2):

Illumina Laboratory Services, Illumina
Classification: Benign for Seizures, benign familial neonatal, 2. Last evaluated: 2018-01-13. Review status: criteria provided, single submitter. Criteria: ICSL Variant Classification Criteria 13 December 2019. Collection method: clinical testing. Allele origin: germline.
Comment: This variant was observed in the ICSL laboratory as part of a predisposition screen in an ostensibly healthy population. It had not been previously curated by ICSL or reported in the Human Gene Mutation Database (HGMD: prior to June 1st, 2018), and was therefore a candidate for classification through an automated scoring system. Utilizing variant allele frequency, disease prevalence and penetrance estimates, and inheritance mode, an automated score was calculated to assess if this variant is too frequent to cause the disease. Based on the score and internal cut-off values, a variant classified as benign is not then subjected to further curation. The score for this variant resulted in a classification of benign for this disease.

Breakthrough Genomics
Classification: Benign. Review status: criteria provided, single submitter. Criteria: ACMG Guidelines, 2015. Collection method: not provided. Allele origin: germline. Inheritance: Autosomal dominant inheritance. Affected: yes.

NM_004519.4(KCNQ3):c.*8148G>A

Gene: KCNQ3 (potassium voltage-gated channel subfamily Q member 3; minus strand). Cytogenetic location: 8q24.22.
Variant type: single nucleotide variant.
Coding change: c.*8148G>A on transcript NM_004519.4 (MANE Select); 8148 bases downstream of the stop codon, G replaced by A.
Molecular consequence: 3 prime UTR variant.
Genome position (GRCh38, 1-based): chr8:132,121,114, C>T on the plus strand (G>A on the coding strand, the complement: KCNQ3 is on the minus strand). VCF-style: chr8-132121114-C-T. GRCh37 (hg19) VCF-style: chr8-133133361-C-T.
Other names: c.*8148G>A (NM_001204824.2).
Identifiers: ClinVar variation 361745 (VCV000361745.7), dbSNP rs1437822, ClinGen allele CA10630080.